The following is an entry in ClinVar:

ClinVar aggregate classification (germline): Uncertain significance (1 of 4 stars; one submission).

Conditions:
Nemaline myopathy 8 (NEM8). Also called: Nemaline myopathy 8, autosomal recessive. Identifiers: Orphanet 171430, MedGen C3809209, MONDO:0014138, OMIM 615348.

Submission:

Labcorp Genetics (formerly Invitae), Labcorp
Classification: Uncertain significance for Nemaline myopathy 8. Last evaluated: 2024-05-07. Review status: criteria provided, single submitter. Criteria: Invitae Variant Classification Sherloc (09022015). Collection method: clinical testing. Allele origin: germline.
Comment: This sequence change replaces aspartic acid, which is acidic and polar, with tyrosine, which is neutral and polar, at codon 97 of the KLHL40 protein (p.Asp97Tyr). This variant is not present in population databases (gnomAD no frequency). This variant has not been reported in the literature in individuals affected with KLHL40-related conditions. ClinVar contains an entry for this variant (Variation ID: 2125137). Advanced modeling of protein sequence and biophysical properties (such as structural, functional, and spatial information, amino acid conservation, physicochemical variation, residue mobility, and thermodynamic stability) performed at Invitae indicates that this missense variant is not expected to disrupt KLHL40 protein function with a negative predictive value of 80%. In summary, the available evidence is currently insufficient to determine the role of this variant in disease. Therefore, it has been classified as a Variant of Uncertain Significance.

NM_152393.4(KLHL40):c.289G>T (p.Asp97Tyr)

Gene: KLHL40 (kelch like family member 40; plus strand). Cytogenetic location: 3p22.1.
Variant type: single nucleotide variant.
Coding change: c.289G>T on transcript NM_152393.4 (MANE Select); coding-DNA position 289, G replaced by T.
Protein change: p.Asp97Tyr; replaces aspartic acid 97 with tyrosine.
Molecular consequence: missense variant.
Genome position (GRCh38, 1-based): chr3:42,685,907, G>T. VCF-style: chr3-42685907-G-T. GRCh37 (hg19) VCF-style: chr3-42727399-G-T.
Other names: short protein forms D97Y.
Identifiers: ClinVar variation 2125137 (VCV002125137.3), dbSNP rs760969518, ClinGen allele CA352289062.
Genomic context (GRCh38, chr3:42,685,907, plus strand): 5'-GTGTCCCCGGACGTGGTGGCCCAGGTGCTGCACTACCTGTACACATCAGAGATCGCGCTG[G>T]ATGAGGCGAGCGTGCAGGATTTGTTCGCCGCGGCACACCGCTTCCAGATCCCTTCCATCT-3'
Protein context (NP_689606.2, residues 87-107): HYLYTSEIAL[Asp97Tyr]EASVQDLFAA